The following is an entry in ClinVar:

NM_001298.3(CNGA3):c.101+2dup

Gene: CNGA3 (cyclic nucleotide gated channel subunit alpha 3; plus strand). Cytogenetic location: 2q11.2.
Variant type: Duplication.
Coding change: c.101+2dup on transcript NM_001298.3 (MANE Select); the canonical splice donor site of the intron after coding-DNA position 101, one base duplicated (T; older notation c.101+2dupT).
Molecular consequence: splice donor variant.
Genome position (GRCh38, 1-based): chr2:98,370,078, T duplicated. VCF-style (leftmost placement, unchanged base first): chr2-98370077-G-GT. GRCh37 (hg19) VCF-style: chr2-98986540-G-GT.
Other names: c.101+2dup (NM_001079878.2).
Identifiers: ClinVar variation 1434798 (VCV001434798.4), dbSNP rs781205523, ClinGen allele CA1793556.
Genomic context (GRCh38, chr2:98,370,077, plus strand): 5'-CCACCTCAAGGTAAAGACCTCAGACCGAGATCTCAATCGCGCTGAAAATGGCCTCAGCAG[G>GT]TAAGATGGGCTAAGATGGGCTTTTCATTTTATGCCTGGCTCTGGTCATTTCCACAGCTGA-3'

ClinVar aggregate classification (germline): Uncertain significance. Review status: criteria provided, multiple submitters, no conflicts (2 of 4 stars). 2 submissions from 2 submitters: Uncertain significance (2). Last evaluated 2024-05-13.

Allele frequency attached by ClinVar (database versions not stated): gnomAD 0.00001; gnomAD exomes 0.00001 and 0.00004; TOPMed 0.00001; ExAC 0.00002.

Submissions (2):

Blueprint Genetics
Classification: Uncertain significance. Last evaluated: 2024-05-13. Review status: criteria provided, single submitter. Criteria: ACMG Guidelines, 2015. Collection method: clinical testing. Allele origin: germline.

Labcorp Genetics (formerly Invitae), Labcorp
Classification: Uncertain significance. Last evaluated: 2022-08-13. Review status: criteria provided, single submitter. Criteria: Invitae Variant Classification Sherloc (09022015). Collection method: clinical testing. Allele origin: germline.
Comment: This sequence change falls in intron 2 of the CNGA3 gene. It does not directly change the encoded amino acid sequence of the CNGA3 protein. It affects a nucleotide within the consensus splice site. This variant is present in population databases (rs781205523, gnomAD 0.003%). This variant has not been reported in the literature in individuals affected with CNGA3-related conditions. ClinVar contains an entry for this variant (Variation ID: 1434798). Variants that disrupt the consensus splice site are a relatively common cause of aberrant splicing (PMID: 17576681, 9536098). Algorithms developed to predict the effect of sequence changes on RNA splicing suggest that this variant may disrupt the consensus splice site. In summary, the available evidence is currently insufficient to determine the role of this variant in disease. Therefore, it has been classified as a Variant of Uncertain Significance.

Literature cited by the submitters: PubMed 17576681 (cited by Labcorp Genetics (formerly Invitae), Labcorp); PubMed 9536098 (cited by Labcorp Genetics (formerly Invitae), Labcorp).